The following is an entry in ClinVar:

NM_006015.6(ARID1A):c.3978GCA[10] (p.Gln1333_Gln1334dup)

Gene: ARID1A (AT-rich interaction domain 1A; plus strand). Cytogenetic location: 1p36.11.
Variant type: Microsatellite.
Coding change: c.3978GCA[10] on transcript NM_006015.6 (MANE Select); ten copies in a row of the 3-base unit GCA starting at c.3978; the reference has eight copies in a row; two copies, 6 bases duplicated; also written c.3996_4001dup.
Protein change: p.Gln1333_Gln1334dup.
Molecular consequence: inframe insertion.
Genome position (GRCh38, 1-based): chr1:26,773,709-26,773,714, GCAGCA duplicated; duplicating any 6 consecutive bases within chr1:26,773,691-26,773,714 gives the same sequence; the position shown is the placement nearest the transcript's 3' end. VCF-style (leftmost placement, unchanged base first): chr1-26773690-C-CGCAGCA. GRCh37 (hg19) VCF-style: chr1-27100181-C-CGCAGCA.
Other names: c.3996_4001dup (NM_006015.6); c.3978GCA[10], p.Gln1333_Gln1334dup (NM_139135.4).
Identifiers: ClinVar variation 434342 (VCV000434342.15), dbSNP rs374564889, ClinGen allele CA707364.

ClinVar aggregate classification (germline): Likely benign. Review status: criteria provided, multiple submitters, no conflicts (2 of 4 stars). 4 submissions from 4 submitters: Likely benign (4). Last evaluated 2026-03-01.

Conditions:
Intellectual disability, autosomal dominant 14 (CSS2). Also called: COFFIN-SIRIS SYNDROME 2. Identifiers: Orphanet 1465, MedGen C3553247, MONDO:0013819, OMIM 614607.

Submissions (4):

CeGaT Center for Human Genetics Tuebingen
Classification: Likely benign. Last evaluated: 2026-03-01. Review status: criteria provided, single submitter. Criteria: CeGaT Center For Human Genetics Tuebingen Variant Classification Criteria Version 2. Collection method: clinical testing. Allele origin: germline. Affected: yes. Observed: 1 variant allele.
Comment: ARID1A: BS1

Labcorp Genetics (formerly Invitae), Labcorp
Classification: Likely benign. Last evaluated: 2025-12-09. Review status: criteria provided, single submitter. Criteria: Invitae Variant Classification Sherloc (09022015). Collection method: clinical testing. Allele origin: germline.

Fulgent Genetics
Classification: Likely benign for Intellectual disability, autosomal dominant 14. Last evaluated: 2022-04-12. Review status: criteria provided, single submitter. Criteria: ACMG Guidelines, 2015. Collection method: clinical testing. Allele origin: unknown.

Genetic Services Laboratory, University of Chicago
Classification: Likely benign. Last evaluated: 2016-12-28. Review status: criteria provided, single submitter. Criteria: ACMG Guidelines, 2015. Collection method: clinical testing. Allele origin: germline. Affected: no.